The following is an entry in ClinVar:

NM_001846.4(COL4A2):c.82G>A (p.Ala28Thr)

Gene: COL4A2 (collagen type IV alpha 2 chain; plus strand). Cytogenetic location: 13q34.
Variant type: single nucleotide variant.
Coding change: c.82G>A on transcript NM_001846.4 (MANE Select); coding-DNA position 82, G replaced by A.
Protein change: p.Ala28Thr; replaces alanine 28 with threonine.
Molecular consequence: missense variant.
Genome position (GRCh38, 1-based): chr13:110,308,106, G>A. VCF-style: chr13-110308106-G-A. GRCh37 (hg19) VCF-style: chr13-110960453-G-A.
Other names: short protein forms A28T.
Identifiers: ClinVar variation 1487475 (VCV001487475.6), dbSNP rs1338618226, ClinGen allele CA388733132.

ClinVar aggregate classification (germline): Uncertain significance (1 of 4 stars; one submission).

Allele frequency attached by ClinVar (database versions not stated): gnomAD 0.00001.
gnomAD v4.1: 3 of 1,613,632 alleles (0.00019%); highest among the groups gnomAD compares: African/African-American, 0.004%; no homozygotes.

Submission:

Labcorp Genetics (formerly Invitae), Labcorp
Classification: Uncertain significance. Last evaluated: 2021-04-29. Review status: criteria provided, single submitter. Criteria: Invitae Variant Classification Sherloc (09022015). Collection method: clinical testing. Allele origin: germline.
Comment: This variant has not been reported in the literature in individuals with COL4A2-related conditions. Advanced modeling of protein sequence and biophysical properties (such as structural, functional, and spatial information, amino acid conservation, physicochemical variation, residue mobility, and thermodynamic stability) performed at Invitae indicates that this missense variant is not expected to disrupt COL4A2 protein function. In summary, the available evidence is currently insufficient to determine the role of this variant in disease. Therefore, it has been classified as a Variant of Uncertain Significance. This sequence change replaces alanine with threonine at codon 28 of the COL4A2 protein (p.Ala28Thr). The alanine residue is weakly conserved and there is a small physicochemical difference between alanine and threonine. This variant is not present in population databases (ExAC no frequency).